The following is an entry in ClinVar:

NM_004369.4(COL6A3):c.6151C>T (p.Pro2051Ser)

Gene: COL6A3 (collagen type VI alpha 3 chain; minus strand). Cytogenetic location: 2q37.3.
Variant type: single nucleotide variant.
Coding change: c.6151C>T on transcript NM_004369.4 (MANE Select); coding-DNA position 6151, C replaced by T.
Protein change: p.Pro2051Ser; replaces proline 2051 with serine.
Molecular consequence: missense variant.
Genome position (GRCh38, 1-based): chr2:237,361,744, G>A on the plus strand (C>T on the coding strand, the complement: COL6A3 is on the minus strand). VCF-style: chr2-237361744-G-A. GRCh37 (hg19) VCF-style: chr2-238270387-G-A.
Other names: c.5533C>T, p.Pro1845Ser (NM_057167.4); c.4330C>T, p.Pro1444Ser (NM_057166.5); short protein forms P1845S, P2051S, P1444S.
Identifiers: ClinVar variation 3719832 (VCV003719832.2).
Genomic context (GRCh38, chr2:237,361,744, plus strand): 5'-ATGTCGGGCTTCTGACACCTCATCTCAGGCGTGGGCAAGGGTAAAGCCACCGTACCTTTG[G>A]CCCGATGCTGCCGATGGGCCCGCGGTCTCCCCTCTGCCCAGAGCACTTGCAGGGAACCCC-3'
Protein context (NP_004360.2, residues 2041-2061): GDRGPIGSIG[Pro2051Ser]KGIPGEDGYR

ClinVar aggregate classification (germline): Uncertain significance (1 of 4 stars; one submission).

Conditions:
Bethlem myopathy 1A. Also called: MYOPATHY, BENIGN CONGENITAL, WITH CONTRACTURES; Bethlem myopathy 1; Bethlem Muscular Dystrophy. Identifiers: Orphanet 610, MedGen CN029274, MONDO:0024530, OMIM 158810.

gnomAD v4.1: 1 of 1,614,102 alleles (0.000062%); highest among the groups gnomAD compares: Non-Finnish European, 0.000085%; no homozygotes.

Submission:

Labcorp Genetics (formerly Invitae), Labcorp
Classification: Uncertain significance for Bethlem myopathy 1A. Last evaluated: 2025-01-27. Review status: criteria provided, single submitter. Criteria: Invitae Variant Classification Sherloc (09022015). Collection method: clinical testing. Allele origin: germline.
Comment: This sequence change replaces proline, which is neutral and non-polar, with serine, which is neutral and polar, at codon 2051 of the COL6A3 protein (p.Pro2051Ser). This variant is not present in population databases (gnomAD no frequency). This variant has not been reported in the literature in individuals affected with COL6A3-related conditions. Invitae Evidence Modeling of protein sequence and biophysical properties (such as structural, functional, and spatial information, amino acid conservation, physicochemical variation, residue mobility, and thermodynamic stability) indicates that this missense variant is not expected to disrupt COL6A3 protein function with a negative predictive value of 80%. In summary, the available evidence is currently insufficient to determine the role of this variant in disease. Therefore, it has been classified as a Variant of Uncertain Significance.